The following is an entry in ClinVar:

ClinVar aggregate classification (germline): Likely benign. Review status: criteria provided, multiple submitters, no conflicts (2 of 4 stars). 4 submissions from 4 submitters: Likely benign (4). Last evaluated 2026-01-12.

Conditions:
Retinal dystrophy. Also called: Inherited retinal dystrophy. Identifiers: Orphanet 71862, MedGen C0854723, MeSH D058499, MONDO:0019118, HP:0000556.
TULP1-related disorder. Also called: TULP1-related condition; TULP1-related disorders.

Allele frequency attached by ClinVar (database versions not stated): gnomAD 0.00002 and 0.00003; TOPMed 0.00002; ExAC 0.00003; gnomAD exomes 0.00003.
gnomAD v4.1: 46 of 1,613,980 alleles (0.0029%); highest among the groups gnomAD compares: East Asian, 0.042%; no homozygotes.

Submissions (4):

Labcorp Genetics (formerly Invitae), Labcorp
Classification: Likely benign. Last evaluated: 2026-01-12. Review status: criteria provided, single submitter. Criteria: Invitae Variant Classification Sherloc (09022015). Collection method: clinical testing. Allele origin: germline.

PreventionGenetics, part of Exact Sciences
Classification: Likely benign for TULP1-related condition. Last evaluated: 2025-02-20. Review status: criteria provided, single submitter. Criteria: ACMG Guidelines, 2015. Collection method: clinical testing. Allele origin: germline.
Comment: This variant is classified as likely benign based on ACMG/AMP sequence variant interpretation guidelines (Richards et al. 2015 PMID: 25741868, with internal and published modifications).

CeGaT Center for Human Genetics Tuebingen
Classification: Likely benign. Last evaluated: 2024-09-01. Review status: criteria provided, single submitter. Criteria: CeGaT Center For Human Genetics Tuebingen Variant Classification Criteria Version 2. Collection method: clinical testing. Allele origin: germline. Affected: yes. Observed: 1 variant allele.
Comment: TULP1: BP4, BP7

Dept Of Ophthalmology, Nagoya University
Classification: Likely benign for Retinal dystrophy. Last evaluated: 2023-10-01. Review status: criteria provided, single submitter. Criteria: Submitter's publication. Collection method: research. Allele origin: germline. Affected: yes.

NM_003322.6(TULP1):c.648G>A (p.Ala216=)

Gene: TULP1 (TUB like protein 1; minus strand). Cytogenetic location: 6p21.31.
Variant type: single nucleotide variant.
Coding change: c.648G>A on transcript NM_003322.6 (MANE Select); coding-DNA position 648, G replaced by A.
Protein change: p.Ala216=; no amino-acid change (alanine 216 retained).
Molecular consequence: synonymous variant.
Genome position (GRCh38, 1-based): chr6:35,509,704, C>T on the plus strand (G>A on the coding strand, the complement: TULP1 is on the minus strand). VCF-style: chr6-35509704-C-T. GRCh37 (hg19) VCF-style: chr6-35477481-C-T.
Other names: c.489G>A, p.Ala163= (NM_001289395.2); c.648G>A (NM_003322.5).
Identifiers: ClinVar variation 1140272 (VCV001140272.25), dbSNP rs766865255, ClinGen allele CA3772848.